The following is an entry in ClinVar:

ClinVar aggregate classification (germline): Uncertain significance (1 of 4 stars; one submission).

gnomAD v4.1: 6 of 1,612,138 alleles (0.00037%); highest among the groups gnomAD compares: South Asian, 0.0022%; no homozygotes.

Submission:

Greenwood Genetic Center Diagnostic Laboratories, Greenwood Genetic Center
Classification: Uncertain significance. Last evaluated: 2025-10-20. Review status: criteria provided, single submitter. Criteria: ACMG Guidelines, 2015. Collection method: clinical testing. Allele origin: germline. Affected: yes.
Comment: PM2

NM_001379659.1(ZNF142):c.1093T>C (p.Cys365Arg)

Gene: ZNF142 (zinc finger protein 142; minus strand). Cytogenetic location: 2q35.
Variant type: single nucleotide variant.
Coding change: c.1093T>C on transcript NM_001379659.1 (MANE Select); coding-DNA position 1093, T replaced by C.
Protein change: p.Cys365Arg; replaces cysteine 365 with arginine.
Molecular consequence: missense variant.
Genome position (GRCh38, 1-based): chr2:218,649,415, A>G on the plus strand (T>C on the coding strand, the complement: ZNF142 is on the minus strand). VCF-style: chr2-218649415-A-G. GRCh37 (hg19) VCF-style: chr2-219514138-A-G.
Other names: c.493T>C, p.Cys165Arg (NM_001105537.5, NM_001366291.3, NM_001379662.1); c.4T>C, p.Cys2Arg (NM_001366287.3, NM_001366288.3, NM_001366289.3); c.1093T>C, p.Cys365Arg (NM_001366290.3, NM_001379660.1, NM_001379661.1); short protein forms C165R, C2R, C365R.
Identifiers: ClinVar variation 4845584 (VCV004845584.1).